The following is an entry in ClinVar:

ClinVar aggregate classification (germline): Uncertain significance (1 of 4 stars; one submission).

Submission:

Labcorp Genetics (formerly Invitae), Labcorp
Classification: Uncertain significance. Last evaluated: 2023-06-23. Review status: criteria provided, single submitter. Criteria: Invitae Variant Classification Sherloc (09022015). Collection method: clinical testing. Allele origin: germline.
Comment: This sequence change replaces aspartic acid, which is acidic and polar, with glutamic acid, which is acidic and polar, at codon 483 of the COL11A1 protein (p.Asp483Glu). This variant is not present in population databases (gnomAD no frequency). This variant has not been reported in the literature in individuals affected with COL11A1-related conditions. Advanced modeling of protein sequence and biophysical properties (such as structural, functional, and spatial information, amino acid conservation, physicochemical variation, residue mobility, and thermodynamic stability) has been performed at Invitae for this missense variant, however the output from this modeling did not meet the statistical confidence thresholds required to predict the impact of this variant on COL11A1 protein function. In summary, the available evidence is currently insufficient to determine the role of this variant in disease. Therefore, it has been classified as a Variant of Uncertain Significance.

NM_001854.4(COL11A1):c.1449T>A (p.Asp483Glu)

Gene: COL11A1 (collagen type XI alpha 1 chain; minus strand). Cytogenetic location: 1p21.1.
Variant type: single nucleotide variant.
Coding change: c.1449T>A on transcript NM_001854.4 (MANE Select); coding-DNA position 1449, T replaced by A.
Protein change: p.Asp483Glu; replaces aspartic acid 483 with glutamic acid.
Molecular consequence: missense variant. On other transcripts: non-coding transcript variant (1).
Genome position (GRCh38, 1-based): chr1:103,015,707, A>T on the plus strand (T>A on the coding strand, the complement: COL11A1 is on the minus strand). VCF-style: chr1-103015707-A-T. GRCh37 (hg19) VCF-style: chr1-103481263-A-T.
Other names: c.1101T>A, p.Asp367Glu (NM_001168249.1, NM_080630.4); c.1332T>A, p.Asp444Glu (NM_001190709.2); c.1485T>A, p.Asp495Glu (NM_080629.3); short protein forms D367E, D483E, D495E, D444E.
Identifiers: ClinVar variation 2714571 (VCV002714571.3), dbSNP rs1439680571, ClinGen allele CA341179526.